The following is an entry in ClinVar:

NM_001005388.3(NFASC):c.2962A>G (p.Thr988Ala)

Gene: NFASC (neurofascin; plus strand). Cytogenetic location: 1q32.1.
Variant type: single nucleotide variant.
Coding change: c.2962A>G on transcript NM_001005388.3 (MANE Select); coding-DNA position 2962, A replaced by G.
Protein change: p.Thr988Ala; replaces threonine 988 with alanine.
Molecular consequence: missense variant. On other transcripts: intron variant (4).
Genome position (GRCh38, 1-based): chr1:204,997,349, A>G. VCF-style: chr1-204997349-A-G. GRCh37 (hg19) VCF-style: chr1-204966477-A-G.
Other names: c.3283A>G, p.Thr1095Ala (NM_001378329.1); c.3091+6043A>G (NM_001160332.2); c.3076+8543A>G (NM_015090.4); c.2755+8543A>G (NM_001365986.1); c.3136+6043A>G (NM_001160331.2); short protein forms T1095A, T988A.
Identifiers: ClinVar variation 3768912 (VCV003768912.1).

ClinVar aggregate classification (germline): Uncertain significance (1 of 4 stars; one submission).

gnomAD v4.1: 6 of 1,558,068 alleles (0.00039%); highest among the groups gnomAD compares: South Asian, 0.0012%; no homozygotes.

Submission:

Women's Health and Genetics/Laboratory Corporation of America, LabCorp
Classification: Uncertain significance. Last evaluated: 2025-02-20. Review status: criteria provided, single submitter. Criteria: LabCorp Variant Classification Summary - May 2015. Collection method: clinical testing. Allele origin: germline.
Comment: Variant summary: NFASC c.2962A>G (p.Thr988Ala) results in a non-conservative amino acid change located in the Fibronectin type-III domain profile (IPR003961) of the encoded protein sequence. Three of five in-silico tools predict a benign effect of the variant on protein function. The variant was absent in 162454 control chromosomes. The available data on variant occurrences in the general population are insufficient to allow any conclusion about variant significance. To our knowledge, no occurrence of c.2962A>G in individuals affected with Neurodevelopmental Disorder With Central And Peripheral Motor Dysfunction and no experimental evidence demonstrating its impact on protein function have been reported. No submitters have cited clinical-significance assessments for this variant to ClinVar. Based on the evidence outlined above, the variant was classified as uncertain significance.